The following is an entry in ClinVar:

ClinVar aggregate classification (germline): Pathogenic (1 of 4 stars; one submission).

Conditions:
Autosomal recessive nonsyndromic hearing loss 18A. Also called: DEAFNESS, AUTOSOMAL RECESSIVE 18; Deafness, autosomal recessive 18A. Identifiers: Orphanet 90636, MedGen C1865870, MONDO:0011192, OMIM 602092.

Submission:

Institute of Rare Diseases, West China Hospital, Sichuan University
Classification: Pathogenic for Autosomal recessive nonsyndromic hearing loss 18A. Last evaluated: 2025-01-09. Review status: criteria provided, single submitter. Criteria: ClinGen HL ACMG Specifications v1. Collection method: research. Allele origin: germline. Affected: yes.
Comment: PVS1;PM3;PP1;PM2_Supporting

NM_153676.4(USH1C):c.37-1G>T

Gene: USH1C (USH1 protein network component harmonin; minus strand). Cytogenetic location: 11p15.1.
Variant type: single nucleotide variant.
Coding change: c.37-1G>T on transcript NM_153676.4 (MANE Select); the canonical splice acceptor site of the intron before coding-DNA position 37, G replaced by T.
Molecular consequence: splice acceptor variant.
Genome position (GRCh38, 1-based): chr11:17,533,323, C>A on the plus strand (G>T on the coding strand, the complement: USH1C is on the minus strand). VCF-style: chr11-17533323-C-A. GRCh37 (hg19) VCF-style: chr11-17554870-C-A.
Other names: c.37-1G>T (NM_001297764.2, NM_005709.4).
Identifiers: ClinVar variation 3601014 (VCV003601014.1).